The following is an entry in ClinVar:

ClinVar aggregate classification (germline): Uncertain significance (1 of 4 stars; one submission).

Conditions:
Neuronal ceroid lipofuscinosis. Also called: Neuronal Ceroid Lipofuscinoses. Identifiers: Orphanet 216, Orphanet 79263, MedGen C0027877, MONDO:0016295. Disease mechanism: loss of function.

Allele frequency attached by ClinVar (database versions not stated): gnomAD exomes below 0.00001.

Submission:

Labcorp Genetics (formerly Invitae), Labcorp
Classification: Uncertain significance for Neuronal ceroid lipofuscinosis. Last evaluated: 2018-10-04. Review status: criteria provided, single submitter. Criteria: Invitae Variant Classification Sherloc (09022015). Collection method: clinical testing. Allele origin: germline.
Comment: In summary, the available evidence is currently insufficient to determine the role of this variant in disease. Therefore, it has been classified as a Variant of Uncertain Significance. Algorithms developed to predict the effect of missense changes on protein structure and function (SIFT, PolyPhen-2, Align-GVGD) all suggest that this variant is likely to be disruptive, but these predictions have not been confirmed by published functional studies and their clinical significance is uncertain. This variant has not been reported in the literature in individuals with CLN5-related disease. This variant is not present in population databases (ExAC no frequency). This sequence change replaces tryptophan with cysteine at codon 274 of the CLN5 protein (p.Trp274Cys). The tryptophan residue is highly conserved and there is a large physicochemical difference between tryptophan and cysteine.

NM_006493.4(CLN5):c.675G>C (p.Trp225Cys)

Gene: CLN5 (CLN5 lysosomal BMP synthase; plus strand). Cytogenetic location: 13q22.3.
Variant type: single nucleotide variant.
Coding change: c.675G>C on transcript NM_006493.4 (MANE Select); coding-DNA position 675, G replaced by C.
Protein change: p.Trp225Cys; replaces tryptophan 225 with cysteine.
Molecular consequence: missense variant. On other transcripts: 3 prime UTR variant (1).
Genome position (GRCh38, 1-based): chr13:77,000,567, G>C. VCF-style: chr13-77000567-G-C. GRCh37 (hg19) VCF-style: chr13-77574702-G-C.
Other names: c.822G>C (LRG_692t1); c.*124G>C (NM_001366624.2); short protein forms W225C.
Identifiers: ClinVar variation 656269 (VCV000656269.8), dbSNP rs1555274338, ClinGen allele CA388311940.
Genomic context (GRCh38, chr13:77,000,567, plus strand): 5'-AGGAATTTATTATGAGACATGGAATGTAAAAGCCAGCCCAGAAAAGGGGGCAGAGACATG[G>C]TTTGATTCCTACGACTGTTCCAAATTTGTGTTAAGGACCTTTAACAAGTTGGCTGAATTT-3'
Protein context (NP_006484.2, residues 215-235): KASPEKGAET[Trp225Cys]FDSYDCSKFV